The following is an entry in ClinVar:

NM_001366722.1(GRIP1):c.622G>A (p.Gly208Arg)

Gene: GRIP1 (glutamate receptor interacting protein 1; minus strand). Cytogenetic location: 12q14.3.
Variant type: single nucleotide variant.
Coding change: c.622G>A on transcript NM_001366722.1 (MANE Select); coding-DNA position 622, G replaced by A.
Protein change: p.Gly208Arg; replaces glycine 208 with arginine.
Molecular consequence: missense variant.
Genome position (GRCh38, 1-based): chr12:66,515,721, C>T on the plus strand (G>A on the coding strand, the complement: GRIP1 is on the minus strand). VCF-style: chr12-66515721-C-T. GRCh37 (hg19) VCF-style: chr12-66909501-C-T.
Other names: c.622G>A, p.Gly208Arg (NM_001178074.2, NM_001379346.1, NM_021150.4); c.700G>A, p.Gly234Arg (NM_001366723.1, NM_001366724.1, NM_001379345.1 and 2 more transcripts); c.625G>A, p.Gly209Arg (NM_001379349.1, NM_001379351.1); c.622G>A (NM_021150.3); short protein forms G208R, G209R, G234R.
Identifiers: ClinVar variation 1975423 (VCV001975423.6), dbSNP rs2502036718, ClinGen allele CA385622814.

ClinVar aggregate classification (germline): Uncertain significance. Review status: criteria provided, multiple submitters, no conflicts (2 of 4 stars). 2 submissions from 2 submitters: Uncertain significance (2). Last evaluated 2025-08-08.

Conditions:
Inborn genetic diseases. Identifiers: MedGen C0950123, MeSH D030342.

Submissions (2):

Ambry Genetics
Classification: Uncertain significance for Inborn genetic diseases. Last evaluated: 2025-08-08. Review status: criteria provided, single submitter. Criteria: Ambry Variant Classification Scheme 2023. Collection method: clinical testing. Allele origin: germline.

Labcorp Genetics (formerly Invitae), Labcorp
Classification: Uncertain significance. Last evaluated: 2022-06-22. Review status: criteria provided, single submitter. Criteria: Invitae Variant Classification Sherloc (09022015). Collection method: clinical testing. Allele origin: germline.
Comment: In summary, the available evidence is currently insufficient to determine the role of this variant in disease. Therefore, it has been classified as a Variant of Uncertain Significance. Algorithms developed to predict the effect of missense changes on protein structure and function are either unavailable or do not agree on the potential impact of this missense change (SIFT: "Deleterious"; PolyPhen-2: "Probably Damaging"; Align-GVGD: "Class C0"). This variant has not been reported in the literature in individuals affected with GRIP1-related conditions. This variant is not present in population databases (gnomAD no frequency). This sequence change replaces glycine, which is neutral and non-polar, with arginine, which is basic and polar, at codon 208 of the GRIP1 protein (p.Gly208Arg).